The following is an entry in ClinVar:

NM_001369.3(DNAH5):c.832del (p.Ala278fs)

Gene: DNAH5 (dynein axonemal heavy chain 5; minus strand). Cytogenetic location: 5p15.2.
Variant type: Deletion.
Coding change: c.832del on transcript NM_001369.3 (MANE Select); coding-DNA position 832, one base deleted (G; older notation c.832delG).
Protein change: p.Ala278fs; shifts the reading frame from alanine 278.
Molecular consequence: frameshift variant.
Genome position (GRCh38, 1-based): chr5:13,919,319, C deleted on the plus strand (G on the coding strand, the reverse complement: DNAH5 is on the minus strand). VCF-style (leftmost placement, unchanged base first): chr5-13919318-GC-G. GRCh37 (hg19) VCF-style: chr5-13919427-GC-G.
Other names: c.832delG (NM_001369.2); c.832del (NM_001369.2); short protein forms A278fs.
Identifiers: ClinVar variation 163160 (VCV000163160.21), dbSNP rs727502977, ClinGen allele CA273137.

ClinVar aggregate classification (germline): Pathogenic/Likely pathogenic. Review status: criteria provided, multiple submitters, no conflicts (2 of 4 stars). 8 submissions from 8 submitters: Pathogenic (6); Likely pathogenic (1). 1 of the submissions does not count toward it. Last evaluated 2025-11-03.

Conditions:
Primary ciliary dyskinesia. Also called: Ciliary dyskinesia. Identifiers: Orphanet 244, MedGen C0008780, MONDO:0016575, HP:0012265.
Primary ciliary dyskinesia 3. Identifiers: Orphanet 244, MedGen C1837618, MONDO:0012085, OMIM 608644.

Allele frequency attached by ClinVar (database versions not stated): TOPMed below 0.00001; gnomAD exomes below 0.00001; gnomAD 0.00001.

Submissions (8):

Labcorp Genetics (formerly Invitae), Labcorp
Classification: Pathogenic for Primary ciliary dyskinesia. Last evaluated: 2025-11-03. Review status: criteria provided, single submitter. Criteria: Invitae Variant Classification Sherloc (09022015). Collection method: clinical testing. Allele origin: germline.
Comment: This sequence change creates a premature translational stop signal (p.Ala278Argfs*27) in the DNAH5 gene. It is expected to result in an absent or disrupted protein product. Loss-of-function variants in DNAH5 are known to be pathogenic (PMID: 11788826, 16627867). This variant is not present in population databases (gnomAD no frequency). This premature translational stop signal has been observed in individual(s) with primary ciliary dyskinesia (PMID: 16627867). In at least one individual the data is consistent with being in trans (on the opposite chromosome) from a pathogenic variant. ClinVar contains an entry for this variant (Variation ID: 163160). For these reasons, this variant has been classified as Pathogenic.

Ambry Genetics
Classification: Pathogenic for Primary ciliary dyskinesia. Last evaluated: 2025-07-10. Review status: criteria provided, single submitter. Criteria: Ambry Variant Classification Scheme 2023. Collection method: clinical testing. Allele origin: germline.
Comment: The c.832delG pathogenic mutation, located in coding exon 7 of the DNAH5 gene, results from a deletion of one nucleotide at nucleotide position 832, causing a translational frameshift with a predicted alternate stop codon (p.A278Rfs*27). This mutation has been reported in multiple individuals with primary ciliary dyskinesia in conjunction with a second DNAH5 alteration (Hornef N et al. Am. J. Respir. Crit. Care Med., 2006 Jul;174:120-6; Davis SD et al. Am. J. Respir. Crit. Care Med., 2018 Aug; doi: 10.1164/rccm.201803-0548OC). This variant is considered to be rare based on population cohorts in the Genome Aggregation Database (gnomAD). In addition to the clinical data presented in the literature, this alteration is expected to result in loss of function by premature protein truncation or nonsense-mediated mRNA decay. As such, this alteration is interpreted as a disease-causing mutation.

Natera, Inc.
Classification: Pathogenic for Primary ciliary dyskinesia. Last evaluated: 2025-06-16. Review status: criteria provided, single submitter. Criteria: Natera Variant Classification Schema (03/2026). Collection method: clinical testing. Allele origin: germline.
Comment: The c.832delG variant in DNAH5 is a frameshift variant predicted to shift the reading frame beginning at codon 278 and leads to a stop codon 27 codons downstream. This variant is expected to result in nonsense mediated decay, truncation, or a dysfunctional protein product. This variant is rare in the general population with a frequency below the threshold expected for the associated phenotype(s). This variant has been observed in one or more individuals affected with the associated recessive disease, as either homozygous or compound heterozygous with a second variant (PMID: 16627867). Given the available evidence, this variant is classified as Pathogenic.

Myriad Genetics, Inc.
Classification: Pathogenic for Primary ciliary dyskinesia 3. Last evaluated: 2024-05-14. Review status: criteria provided, single submitter. Criteria: Myriad Autosomal Dominant, Autosomal Recessive and X-Linked Classification Criteria (2023). Collection method: clinical testing. Allele origin: unknown.
Comment: NM_001369.2(DNAH5):c.832delG(A278Rfs*27) is expected to be pathogenic in the context of primary ciliary dyskinesia, DNAH5-related. This variant is predicted to lead to an abnormal or absent protein product due to the creation of a premature termination codon in DNAH5, a gene where loss-of-function variants are known to be pathogenic. Please note: this variant was assessed in the context of healthy population screening.

Fulgent Genetics
Classification: Pathogenic for Primary ciliary dyskinesia 3. Last evaluated: 2024-03-06. Review status: criteria provided, single submitter. Criteria: ACMG Guidelines, 2015. Collection method: clinical testing. Allele origin: germline.

Molecular Genetics McLendon Clinical Laboratories, University of North Carolina at Chapel Hill
Classification: Pathogenic for Primary ciliary dyskinesia. Last evaluated: 2024-02-23. Review status: criteria provided, single submitter. Criteria: ACMG Guidelines, 2015. Collection method: clinical testing. Allele origin: germline. Affected: yes.

Laboratory for Molecular Medicine, Mass General Brigham Personalized Medicine
Classification: Likely pathogenic for Primary ciliary dyskinesia. Last evaluated: 2013-11-08. Review status: criteria provided, single submitter. Criteria: LMM Criteria. Collection method: clinical testing. Allele origin: germline. Inheritance: Autosomal recessive inheritance. Observed: 2 variant alleles.
Comment: The Ala278fs variant in DNAH5 has been reported in one individual with PCD and o uter dynein arm (ODA) defects who carried a nonsense variant identified on the o ther copy of this gene (Hornef 2006). The variant has not been identified in lar ge population studies. This frameshift variant is predicted to alter the protein 's amino acid sequence beginning at position 278 and lead to a premature termina tion codon 27 amino acids downstream. This alteration is then predicted to lead to a truncated or absent protein. Frameshift and other truncating variants in DN AH5 are associated with autosomal recessive PCD (Hornef 2006). In summary, this variant is likely pathogenic, though additional studies are required to fully es tablish its clinical significance.

Yale Center for Mendelian Genomics, Yale University
Classification: Likely pathogenic for Primary ciliary dyskinesia. Last evaluated: 2018-08-01. Review status: no assertion criteria provided. Collection method: literature only. Allele origin: germline. Affected: yes. Observed: 2 compound heterozygotes. Study: Yale Center for Mendelian Genomics. Not counted in ClinVar's aggregate classification.

Literature cited by the submitters: PubMed 11788826 (cited by Labcorp Genetics (formerly Invitae), Labcorp); PubMed 16627867 (cited by 4 submitters); PubMed 30067075 (cited by Ambry Genetics and Yale Center for Mendelian Genomics, Yale University).